The following is an entry in ClinVar:

NM_000268.4(NF2):c.32T>C (p.Phe11Ser)

Gene: NF2 (NF2, moesin-ezrin-radixin like (MERLIN) tumor suppressor; plus strand). Cytogenetic location: 22q12.2.
Variant type: single nucleotide variant.
Coding change: c.32T>C on transcript NM_000268.4 (MANE Select); coding-DNA position 32, T replaced by C.
Protein change: p.Phe11Ser; replaces phenylalanine 11 with serine.
Molecular consequence: missense variant. On other transcripts: 5 prime UTR variant (4), non-coding transcript variant (1).
Genome position (GRCh38, 1-based): chr22:29,604,030, T>C. VCF-style: chr22-29604030-T-C. GRCh37 (hg19) VCF-style: chr22-30000019-T-C.
Other names: c.-199T>C (NM_001407053.1, NM_001407056.1); c.32T>C, p.Phe11Ser (NM_001407054.1, NM_001407055.1, NM_001407057.1 and 15 more transcripts); c.-609T>C (NM_001407065.1); c.-225T>C (NM_001407067.1); short protein forms F11S.
Identifiers: ClinVar variation 5025712 (VCV005025712.1).

ClinVar aggregate classification (germline): Uncertain significance (1 of 4 stars; one submission).

Conditions:
Hereditary cancer-predisposing syndrome. Also called: Neoplastic Syndromes, Hereditary; Tumor predisposition; Hereditary neoplastic syndrome; Hereditary Cancer Syndrome. Identifiers: Orphanet 140162, MedGen C0027672, MeSH D009386, MONDO:0015356.

Submission:

Ambry Genetics
Classification: Uncertain significance for Hereditary cancer-predisposing syndrome. Last evaluated: 2026-08-17. Review status: criteria provided, single submitter. Criteria: Ambry Variant Classification Scheme 2023. Collection method: clinical testing. Allele origin: germline.
Comment: The p.F11S variant (also known as c.32T>C), located in coding exon 1 of the NF2 gene, results from a T to C substitution at nucleotide position 32. The phenylalanine at codon 11 is replaced by serine, an amino acid with highly dissimilar properties. This amino acid position is conserved. In addition, the in silico prediction for this alteration is inconclusive. Based on the available evidence, the clinical significance of this variant remains unclear.